The following is an entry in ClinVar:

ClinVar aggregate classification (germline): Uncertain significance (1 of 4 stars; one submission).

Submission:

GeneDx
Classification: Uncertain significance. Last evaluated: 2026-02-10. Review status: criteria provided, single submitter. Criteria: GeneDx Variant Classification Process June 2021. Collection method: clinical testing. Allele origin: germline.
Comment: Not observed at significant frequency in large population cohorts (gnomAD); In silico analysis suggests that this missense variant does not alter protein structure/function; Has not been previously published as pathogenic or benign to our knowledge

NM_001451.3(FOXF1):c.595T>G (p.Leu199Val)

Gene: FOXF1 (forkhead box F1; plus strand). Cytogenetic location: 16q24.1.
Variant type: single nucleotide variant.
Coding change: c.595T>G on transcript NM_001451.3 (MANE Select); coding-DNA position 595, T replaced by G.
Protein change: p.Leu199Val; replaces leucine 199 with valine.
Molecular consequence: missense variant.
Genome position (GRCh38, 1-based): chr16:86,511,164, T>G. VCF-style: chr16-86511164-T-G. GRCh37 (hg19) VCF-style: chr16-86544770-T-G.
Other names: short protein forms L199V.
Identifiers: ClinVar variation 4976577 (VCV004976577.1).